The following is an entry in ClinVar:

ClinVar aggregate classification (germline): Uncertain significance (1 of 4 stars; one submission).

Conditions:
RASopathy. Also called: rasopathies; Noonan spectrum disorder. Identifiers: Orphanet 536391, MedGen C5555857, MONDO:0021060.

gnomAD v4.1: 2 of 1,548,572 alleles (0.00013%); highest among the groups gnomAD compares: Non-Finnish European, 0.00017%; no homozygotes.

Submission:

Labcorp Genetics (formerly Invitae), Labcorp
Classification: Uncertain significance for RASopathy. Last evaluated: 2025-01-30. Review status: criteria provided, single submitter. Criteria: Invitae Variant Classification Sherloc (09022015). Collection method: clinical testing. Allele origin: germline.
Comment: This sequence change replaces lysine, which is basic and polar, with glutamic acid, which is acidic and polar, at codon 58 of the CBL protein (p.Lys58Glu). This variant is not present in population databases (gnomAD no frequency). This variant has not been reported in the literature in individuals affected with CBL-related conditions. Invitae Evidence Modeling of protein sequence and biophysical properties (such as structural, functional, and spatial information, amino acid conservation, physicochemical variation, residue mobility, and thermodynamic stability) has been performed for this missense variant. However, the output from this modeling did not meet the statistical confidence thresholds required to predict the impact of this variant on CBL protein function. In summary, the available evidence is currently insufficient to determine the role of this variant in disease. Therefore, it has been classified as a Variant of Uncertain Significance.

NM_005188.4(CBL):c.172A>G (p.Lys58Glu)

Genes: CBL (Cbl proto-oncogene; plus strand), LOC130006895 (ATAC-STARR-seq lymphoblastoid silent region 3975; plus strand). Cytogenetic location: 11q23.3.
Variant type: single nucleotide variant.
Coding change: c.172A>G on transcript NM_005188.4 (MANE Select); coding-DNA position 172, A replaced by G.
Protein change: p.Lys58Glu; replaces lysine 58 with glutamic acid.
Molecular consequence: missense variant.
Genome position (GRCh38, 1-based): chr11:119,206,589, A>G. VCF-style: chr11-119206589-A-G. GRCh37 (hg19) VCF-style: chr11-119077299-A-G.
Other names: short protein forms K58E.
Identifiers: ClinVar variation 3673460 (VCV003673460.2).
Genomic context (GRCh38, chr11:119,206,589, plus strand): 5'-CACCACCACCACCACCTCAGCCCCCACCCGCCGGGGACGGTGGACAAGAAGATGGTGGAG[A>G]AGTGCTGGAAGCTCATGGACAAGGTGAAAGGCCGGCTGAGCGCCCGCTGTTGCAGGGTGG-3'
Protein context (NP_005179.2, residues 48-68): PGTVDKKMVE[Lys58Glu]CWKLMDKVVR